The following is an entry in ClinVar:

ClinVar aggregate classification (germline): Conflicting classifications of pathogenicity. Review status: criteria provided, conflicting classifications (1 of 4 stars). 4 submissions from 4 submitters: Pathogenic (1); Likely pathogenic (1); Uncertain significance (1). 1 of the submissions does not count toward it. Last evaluated 2020-11-24.

Conditions:
Familial X-linked hypophosphatemic vitamin D refractory rickets (XLHRD). Also called: Hypophosphatemia, vitamin D-resistant rickets; Vitamin D-resistant rickets, X-linked; X-Linked Hypophosphatemia; HYPOPHOSPHATEMIC VITAMIN D-RESISTANT RICKETS; Hypophosphatemic Rickets, X-Linked Dominant. Identifiers: Orphanet 89936, MedGen C0733682, MONDO:0010619, OMIM 307800.
Childhood hypophosphatasia. Identifiers: Orphanet 247667, Orphanet 436, MedGen C0220743, MONDO:1010168, OMIM 241510, MONDO:0009428.

Submissions (4):

Greenwood Genetic Center Diagnostic Laboratories, Greenwood Genetic Center
Classification: Uncertain significance. Last evaluated: 2020-11-24. Review status: criteria provided, single submitter. Criteria: ACMG Guidelines, 2015. Collection method: clinical testing. Allele origin: germline. Affected: yes.
Comment: PP3, PM5_Supporting, PM2

GeneDx
Classification: Likely pathogenic. Last evaluated: 2015-04-19. Review status: criteria provided, single submitter. Criteria: GeneDx Variant Classification (06012015). Collection method: clinical testing. Allele origin: germline. Affected: yes.
Comment: The W456R variant has not been published as a pathogenic variant, nor has it been reported as a benign polymorphism to our knowledge. The W456R variant was not observed in approximately 6,500 individuals of European and African American ancestry in the NHLBI Exome Sequencing Project, indicating it is not a common benign variant in these populations. The W456R variant is a non-conservative amino acid substitution, which is likely to impact secondary protein structure as these residues differ in polarity, charge, size and/or other properties. This substitution occurs at a position that is conserved across species, and in silico analysis predicts this variant is probably damaging to the protein structure/function. A missense variant at the same residue (W456C) and in a nearby residue (L450P) have been reported in the Human Gene Mutation Database in association with hypophosphatemic rickets (Stenson et al., 2014), supporting the functional importance of this region of the protein. Therefore, this variant is a strong candidate for a pathogenic variant, however the possibility that it is a benign variant cannot be excluded.

Institute of Human Genetics Munich, TUM University Hospital
Classification: Pathogenic for Familial X-linked hypophosphatemic vitamin D refractory rickets. Last evaluated: 2013-10-31. Review status: criteria provided, single submitter. Criteria: Classification criteria August 2017. Collection method: clinical testing. Allele origin: germline. Inheritance: X-linked inheritance. Affected: yes. Observed: 1 heterozygote.

Department of Pediatric Endocrinology, Shriners Hospitals for Children - Mexico City
No classification provided. Condition: Childhood hypophosphatasia. Review status: no classification provided. Collection method: phenotyping only. Allele origin: germline. Inheritance: X-linked dominant inheritance. Affected: yes. Observed: 1 variant allele. Not counted in ClinVar's aggregate classification.

NM_000444.6(PHEX):c.1366T>C (p.Trp456Arg)

Gene: PHEX (phosphate regulating endopeptidase X-linked; plus strand). Cytogenetic location: Xp22.11.
Variant type: single nucleotide variant.
Coding change: c.1366T>C on transcript NM_000444.6 (MANE Select); coding-DNA position 1366, T replaced by C.
Protein change: p.Trp456Arg; replaces tryptophan 456 with arginine.
Molecular consequence: missense variant.
Genome position (GRCh38, 1-based): chrX:22,133,586, T>C. VCF-style: chrX-22133586-T-C. GRCh37 (hg19) VCF-style: chrX-22151703-T-C.
Other names: c.1366T>C, p.Trp456Arg (NM_001282754.2); short protein forms W456R.
Identifiers: ClinVar variation 427188 (VCV000427188.10), dbSNP rs1085308012, ClinGen allele CA412574676.